The following is an entry in ClinVar:

ClinVar aggregate classification (germline): Conflicting classifications of pathogenicity. Review status: criteria provided, conflicting classifications (1 of 4 stars). 2 submissions from 2 submitters: Uncertain significance (1); Benign (1). Last evaluated 2026-08-19.

Conditions:
Intellectual developmental disorder, X-linked 1. Also called: Atkin Flaitz Patil Smith syndrome; Intellectual disability, X-linked 1; MENTAL RETARDATION, X-LINKED 18; MENTAL RETARDATION, X-LINKED 78. Identifiers: Orphanet 777, MedGen C2931498, MONDO:0010656, OMIM 309530.

Allele frequency attached by ClinVar (database versions not stated): gnomAD exomes below 0.00001; TOPMed 0.00001.

Submissions (2):

GeneDx
Classification: Uncertain significance. Last evaluated: 2026-08-19. Review status: criteria provided, single submitter. Criteria: GeneDx Variant Classification Process June 2021. Collection method: clinical testing. Allele origin: germline.
Comment: Not observed at significant frequency in large population cohorts (gnomAD); In silico analysis suggests that this missense variant does not alter protein structure/function; Has not been previously published as pathogenic or benign to our knowledge

Labcorp Genetics (formerly Invitae), Labcorp
Classification: Benign for Intellectual developmental disorder, X-linked 1. Last evaluated: 2025-12-02. Review status: criteria provided, single submitter. Criteria: Invitae Variant Classification Sherloc (09022015). Collection method: clinical testing. Allele origin: germline.

NM_001111125.3(IQSEC2):c.356G>T (p.Arg119Leu)

Gene: IQSEC2 (IQ motif and Sec7 domain ArfGEF 2; minus strand). Cytogenetic location: Xp11.22.
Variant type: single nucleotide variant.
Coding change: c.356G>T on transcript NM_001111125.3 (MANE Select); coding-DNA position 356, G replaced by T.
Protein change: p.Arg119Leu; replaces arginine 119 with leucine.
Molecular consequence: missense variant.
Genome position (GRCh38, 1-based): chrX:53,320,768, C>A on the plus strand (G>T on the coding strand, the complement: IQSEC2 is on the minus strand). VCF-style: chrX-53320768-C-A. GRCh37 (hg19) VCF-style: chrX-53349966-C-A.
Other names: c.356G>T (NM_001111125.1); short protein forms R119L.
Identifiers: ClinVar variation 1384322 (VCV001384322.10), dbSNP rs782770335, ClinGen allele CA10420218.